The following is an entry in ClinVar:

ClinVar aggregate classification (germline): Uncertain significance (1 of 4 stars; one submission).

gnomAD v4.1: 24 of 1,610,940 alleles (0.0015%); highest among the groups gnomAD compares: Middle Eastern, 0.016%; no homozygotes.

Submission:

Labcorp Genetics (formerly Invitae), Labcorp
Classification: Uncertain significance. Last evaluated: 2024-11-17. Review status: criteria provided, single submitter. Criteria: Invitae Variant Classification Sherloc (09022015). Collection method: clinical testing. Allele origin: germline.
Comment: This sequence change replaces alanine, which is neutral and non-polar, with valine, which is neutral and non-polar, at codon 11 of the LRRC8A protein (p.Ala11Val). This variant is present in population databases (rs776583981, gnomAD 0.005%). This variant has not been reported in the literature in individuals affected with LRRC8A-related conditions. An algorithm developed to predict the effect of missense changes on protein structure and function (PolyPhen-2) suggests that this variant is likely to be tolerated. In summary, the available evidence is currently insufficient to determine the role of this variant in disease. Therefore, it has been classified as a Variant of Uncertain Significance.

NM_019594.4(LRRC8A):c.32C>T (p.Ala11Val)

Gene: LRRC8A (leucine rich repeat containing 8 VRAC subunit A; plus strand). Cytogenetic location: 9q34.11.
Variant type: single nucleotide variant.
Coding change: c.32C>T on transcript NM_019594.4 (MANE Select); coding-DNA position 32, C replaced by T.
Protein change: p.Ala11Val; replaces alanine 11 with valine.
Molecular consequence: missense variant.
Genome position (GRCh38, 1-based): chr9:128,907,196, C>T. VCF-style: chr9-128907196-C-T. GRCh37 (hg19) VCF-style: chr9-131669475-C-T.
Other names: c.32C>T, p.Ala11Val (NM_001127244.2, NM_001127245.2); short protein forms A11V.
Identifiers: ClinVar variation 3619916 (VCV003619916.2).